The following is an entry in ClinVar:

NM_000138.5(FBN1):c.8206dup (p.Thr2736fs)

Gene: FBN1 (fibrillin 1; minus strand). Cytogenetic location: 15q21.1.
Variant type: Duplication.
Coding change: c.8206dup on transcript NM_000138.5 (MANE Select); coding-DNA position 8206, one base duplicated (A; older notation c.8206dupA).
Protein change: p.Thr2736fs; shifts the reading frame from threonine 2736.
Molecular consequence: frameshift variant.
Genome position (GRCh38, 1-based): chr15:48,412,589, T duplicated on the plus strand (A on the coding strand, the reverse complement: FBN1 is on the minus strand); the first of 3 consecutive T bases (chr15:48,412,589-48,412,591); duplicating any one gives the same sequence. VCF-style (leftmost placement, unchanged base first): chr15-48412588-G-GT. GRCh37 (hg19) VCF-style: chr15-48704785-G-GT.
Other names: c.8206dupA (NM_000138.4); short protein forms T2736fs.
Identifiers: ClinVar variation 520767 (VCV000520767.4), dbSNP rs1555393647, ClinGen allele CA658798344.

ClinVar aggregate classification (germline): Pathogenic (1 of 4 stars; one submission).

Conditions:
Familial thoracic aortic aneurysm and aortic dissection (TAAD). Also called: Thoracic aortic aneurysms and dissections. Identifiers: Orphanet 91387, MedGen C4707243, MONDO:0019625.

Submission:

Ambry Genetics
Classification: Pathogenic for Familial thoracic aortic aneurysm and aortic dissection. Last evaluated: 2024-10-22. Review status: criteria provided, single submitter. Criteria: Ambry Variant Classification Scheme 2023. Collection method: clinical testing. Allele origin: germline.
Comment: The c.8206dupA pathogenic mutation, located in coding exon 64 of the FBN1 gene, results from a duplication of A at nucleotide position 8206, causing a translational frameshift with a predicted alternate stop codon (p.T2736Nfs*2). This alteration occurs at the 3' terminus of theFBN1 gene, is not expected to trigger nonsense-mediated mRNA decay, and only impacts the last 4.7% of the protein. However, premature stop codons are typically deleterious in nature and the impacted region is critical for protein function (Ambry internal data). This variant (also referred to as c.8206_8207insA) has been detected in individuals with features consistent with Marfan lipodystrophy syndrome, including de novo occurrences (O'Neill B et al. Am J Med Genet A, 2007 Jul;143A:1421-30; Garg A et al. Am J Med Genet A, 2014 May;164A:1341-5; Ambry internal data). This variant is considered to be rare based on population cohorts in the Genome Aggregation Database (gnomAD). Based on the supporting evidence, this variant is interpreted as a disease-causing mutation.

Literature cited by the submitters: PubMed 17523150; PubMed 24665001.